The following is an entry in ClinVar:

NM_021975.4(RELA):c.457G>A (p.Asp153Asn)

Gene: RELA (RELA proto-oncogene, NF-kB subunit; minus strand). Cytogenetic location: 11q13.1.
Variant type: single nucleotide variant.
Coding change: c.457G>A on transcript NM_021975.4 (MANE Select); coding-DNA position 457, G replaced by A.
Protein change: p.Asp153Asn; replaces aspartic acid 153 with asparagine.
Molecular consequence: missense variant.
Genome position (GRCh38, 1-based): chr11:65,659,768, C>T on the plus strand (G>A on the coding strand, the complement: RELA is on the minus strand). VCF-style: chr11-65659768-C-T. GRCh37 (hg19) VCF-style: chr11-65427239-C-T.
Other names: c.448G>A, p.Asp150Asn (NM_001145138.2); c.457G>A, p.Asp153Asn (NM_001243984.2, NM_001243985.2, NM_001404659.1 and 1 more transcripts); c.490G>A, p.Asp164Asn (NM_001404657.1); c.430G>A, p.Asp144Asn (NM_001404658.1); c.76G>A, p.Asp26Asn (NM_001404661.1); c.364G>A, p.Asp122Asn (NM_001404662.1, NM_001404663.1); short protein forms D164N, D144N, D150N, D153N, D122N, D26N.
Identifiers: ClinVar variation 3662589 (VCV003662589.2).

ClinVar aggregate classification (germline): Uncertain significance (1 of 4 stars; one submission).

Submission:

Labcorp Genetics (formerly Invitae), Labcorp
Classification: Uncertain significance. Last evaluated: 2024-09-03. Review status: criteria provided, single submitter. Criteria: Invitae Variant Classification Sherloc (09022015). Collection method: clinical testing. Allele origin: germline.
Comment: This sequence change replaces aspartic acid, which is acidic and polar, with asparagine, which is neutral and polar, at codon 153 of the RELA protein (p.Asp153Asn). This variant is not present in population databases (gnomAD no frequency). This variant has not been reported in the literature in individuals affected with RELA-related conditions. An algorithm developed to predict the effect of missense changes on protein structure and function (PolyPhen-2) suggests that this variant is likely to be disruptive. In summary, the available evidence is currently insufficient to determine the role of this variant in disease. Therefore, it has been classified as a Variant of Uncertain Significance.